The following is an entry in ClinVar:

ClinVar aggregate classification (germline): Benign. Review status: criteria provided, multiple submitters, no conflicts (2 of 4 stars). 2 submissions from 2 submitters: Benign (2). Last evaluated 2018-06-14.

Allele frequency attached by ClinVar (database versions not stated): gnomAD exomes 0.00374; gnomAD 0.03270 and 0.03463; TOPMed 0.03633; 1000 Genomes Project 0.04193; 1000 Genomes Project 30x 0.04544.
gnomAD v4.1: 9,809 of 1,396,898 alleles (0.7%); highest among the groups gnomAD compares: African/African-American, 11%; 456 homozygotes.

Submissions (2):

GeneDx
Classification: Benign. Last evaluated: 2018-06-14. Review status: criteria provided, single submitter. Criteria: GeneDx Variant Classification (06012015). Collection method: clinical testing. Allele origin: germline. Affected: yes.
Comment: This variant is considered likely benign or benign based on one or more of the following criteria: it is a conservative change, it occurs at a poorly conserved position in the protein, it is predicted to be benign by multiple in silico algorithms, and/or has population frequency not consistent with disease.

Breakthrough Genomics
Classification: Benign. Review status: criteria provided, single submitter. Criteria: ACMG Guidelines, 2015. Collection method: not provided. Allele origin: germline. Inheritance: Unknown mechanism. Affected: yes.

NM_018006.5(TRMU):c.772+106A>C

Gene: TRMU (tRNA mitochondrial 2-thiouridylase; plus strand). Cytogenetic location: 22q13.31.
Variant type: single nucleotide variant.
Coding change: c.772+106A>C on transcript NM_018006.5 (MANE Select); 106 bases into the intron after coding-DNA position 772, A replaced by C.
Molecular consequence: intron variant.
Genome position (GRCh38, 1-based): chr22:46,352,436, A>C. VCF-style: chr22-46352436-A-C. GRCh37 (hg19) VCF-style: chr22-46748333-A-C.
Other names: c.772+106A>C (NM_001282785.2); c.430+106A>C (NM_001282782.2); c.352+106A>C (NM_001282783.2, NM_001282784.2).
Identifiers: ClinVar variation 676770 (VCV000676770.2), dbSNP rs12160381, ClinGen allele CA14978150.